The following is an entry in ClinVar:

NM_001079520.2(DACT1):c.1224C>T (p.Ser408=)

Gene: DACT1 (dishevelled binding antagonist of beta catenin 1; plus strand). Cytogenetic location: 14q23.1.
Variant type: single nucleotide variant.
Coding change: c.1224C>T on transcript NM_001079520.2 (MANE Select); coding-DNA position 1224, C replaced by T.
Protein change: p.Ser408=; no amino-acid change (serine 408 retained).
Molecular consequence: synonymous variant. On other transcripts: non-coding transcript variant (2).
Genome position (GRCh38, 1-based): chr14:58,645,958, C>T. VCF-style: chr14-58645958-C-T. GRCh37 (hg19) VCF-style: chr14-59112676-C-T.
Other names: c.1335C>T, p.Ser445= (NM_016651.6).
Identifiers: ClinVar variation 746219 (VCV000746219.5), dbSNP rs778652355, ClinGen allele CA7206759.

ClinVar aggregate classification (germline): Benign. Review status: criteria provided, single submitter (1 of 4 stars). 2 submissions from 2 submitters: Benign (1). 1 of the submissions does not count toward it. Last evaluated 2018-05-25.

Conditions:
DACT1-related disorder. Also called: DACT1-related condition.

Allele frequency attached by ClinVar (database versions not stated): TOPMed 0.00013; ExAC 0.00019; gnomAD exomes 0.00022.

Submissions (2):

Labcorp Genetics (formerly Invitae), Labcorp
Classification: Benign. Last evaluated: 2018-05-25. Review status: criteria provided, single submitter. Criteria: Invitae Variant Classification Sherloc (09022015). Collection method: clinical testing. Allele origin: germline.

PreventionGenetics, part of Exact Sciences
Classification: Likely benign for DACT1-related condition. Last evaluated: 2019-06-17. Review status: no assertion criteria provided. Collection method: clinical testing. Allele origin: germline. Not counted in ClinVar's aggregate classification.
Comment: This variant is classified as likely benign based on ACMG/AMP sequence variant interpretation guidelines (Richards et al. 2015 PMID: 25741868, with internal and published modifications).